The following is an entry in ClinVar:

NM_001145809.2(MYH14):c.89C>T (p.Thr30Met)

Gene: MYH14 (myosin heavy chain 14; plus strand). Cytogenetic location: 19q13.33.
Variant type: single nucleotide variant.
Coding change: c.89C>T on transcript NM_001145809.2 (MANE Select); coding-DNA position 89, C replaced by T.
Protein change: p.Thr30Met; replaces threonine 30 with methionine.
Molecular consequence: missense variant.
Genome position (GRCh38, 1-based): chr19:50,210,454, C>T. VCF-style: chr19-50210454-C-T. GRCh37 (hg19) VCF-style: chr19-50713711-C-T.
Other names: c.89C>T, p.Thr30Met (NM_001077186.2, NM_024729.4); short protein forms T30M.
Identifiers: ClinVar variation 4705080 (VCV004705080.1).
Genomic context (GRCh38, chr19:50,210,454, plus strand): 5'-GGCGGAAGGCGCCCCCCAGGCCGGGCCCAGTGCCCGAGGCGGCCCAGCCGTTCCTGTTCA[C>T]GCCCCGCGGGCCCAGCGCGGGTGGCGGGCCTGGCTCGGGCACCTCCCCGCAGGTGGAGTG-3'
Protein context (NP_001139281.1, residues 20-40): VPEAAQPFLF[Thr30Met]PRGPSAGGGP

ClinVar aggregate classification (germline): Uncertain significance (1 of 4 stars; one submission).

gnomAD v4.1: 4 of 1,548,848 alleles (0.00026%); highest among the groups gnomAD compares: East Asian, 0.0025%; no homozygotes.

Submission:

Labcorp Genetics (formerly Invitae), Labcorp
Classification: Uncertain significance. Last evaluated: 2025-11-26. Review status: criteria provided, single submitter. Criteria: Invitae Variant Classification Sherloc (09022015). Collection method: clinical testing. Allele origin: germline.
Comment: This sequence change replaces threonine, which is neutral and polar, with methionine, which is neutral and non-polar, at codon 30 of the MYH14 protein (p.Thr30Met). The frequency data for this variant in the population databases is considered unreliable, as metrics indicate poor data quality at this position in the gnomAD database. This variant has not been reported in the literature in individuals affected with MYH14-related conditions. Invitae Evidence Modeling of protein sequence and biophysical properties (such as structural, functional, and spatial information, amino acid conservation, physicochemical variation, residue mobility, and thermodynamic stability) indicates that this missense variant is expected to disrupt MYH14 protein function with a positive predictive value of 80%. In summary, the available evidence is currently insufficient to determine the role of this variant in disease. Therefore, it has been classified as a Variant of Uncertain Significance.